The following is an entry in ClinVar:

ClinVar aggregate classification (germline): Uncertain significance. Review status: criteria provided, multiple submitters, no conflicts (2 of 4 stars). 2 submissions from 2 submitters: Uncertain significance (2). Last evaluated 2024-03-12.

Conditions:
Proteinuria, chronic benign. Identifiers: MedGen C5394384, MONDO:0030042, OMIM 618884.
Imerslund-Grasbeck syndrome type 1 (IGS1). Also called: Megaloblastic anemia 1, Finnish type; MEGALOBLASTIC ANEMIA, 1; Imerslund-Gräsbeck syndrome 1. Identifiers: MedGen C4016819, MONDO:0100156, OMIM 261100.

Allele frequency attached by ClinVar (database versions not stated): ExAC 0.00001; gnomAD 0.00001; ESP Exome Variant Server 0.00008.
gnomAD v4.1: 12 of 1,614,052 alleles (0.00074%); highest among the groups gnomAD compares: Non-Finnish European, 0.001%; no homozygotes.

Submissions (2):

Fulgent Genetics
Classification: Uncertain significance for Imerslund-Grasbeck syndrome type 1; Proteinuria, chronic benign. Last evaluated: 2024-03-12. Review status: criteria provided, single submitter. Criteria: ACMG Guidelines, 2015. Collection method: clinical testing. Allele origin: germline.

GeneDx
Classification: Uncertain significance. Last evaluated: 2021-04-23. Review status: criteria provided, single submitter. Criteria: GeneDx Variant Classification Process June 2021. Collection method: clinical testing. Allele origin: germline. Affected: yes.
Comment: Not observed at a significant frequency in large population cohorts (Lek et al., 2016); In silico analysis supports that this missense variant does not alter protein structure/function; Has not been previously published as pathogenic or benign to our knowledge; In-silico analysis, which includes splice predictors and evolutionary conservation, is inconclusive as to whether the variant alters gene splicing. In the absence of RNA/functional studies, the actual effect of this sequence change is unknown.

NM_001081.4(CUBN):c.10277C>G (p.Thr3426Arg)

Gene: CUBN (cubilin; minus strand). Cytogenetic location: 10p13.
Variant type: single nucleotide variant.
Coding change: c.10277C>G on transcript NM_001081.4 (MANE Select); coding-DNA position 10277, C replaced by G.
Protein change: p.Thr3426Arg; replaces threonine 3426 with arginine.
Molecular consequence: missense variant.
Genome position (GRCh38, 1-based): chr10:16,835,099, G>C on the plus strand (C>G on the coding strand, the complement: CUBN is on the minus strand). VCF-style: chr10-16835099-G-C. GRCh37 (hg19) VCF-style: chr10-16877098-G-C.
Other names: short protein forms T3426R.
Identifiers: ClinVar variation 1318849 (VCV001318849.3), dbSNP rs143066121, ClinGen allele CA5422420.